The following is an entry in ClinVar:

ClinVar aggregate classification (germline): Uncertain significance. Review status: criteria provided, multiple submitters, no conflicts (2 of 4 stars). 2 submissions from 2 submitters: Uncertain significance (2). Last evaluated 2018-09-29.

Conditions:
Inborn genetic diseases. Identifiers: MedGen C0950123, MeSH D030342.

Submissions (2):

Labcorp Genetics (formerly Invitae), Labcorp
Classification: Uncertain significance. Last evaluated: 2018-09-29. Review status: criteria provided, single submitter. Criteria: Invitae Variant Classification Sherloc (09022015). Collection method: clinical testing. Allele origin: germline.
Comment: This sequence change results in a frameshift in the PQBP1 gene (p.Pro248Glnfs*28). While this is not anticipated to result in nonsense mediated decay, it is expected to disrupt the last 17 amino acids of the PQBP1 protein and extend the protein by an additional 11 amino acids. This variant is not present in population databases (ExAC no frequency). This variant has been observed to segregate with Renpenning syndrome in a family (Invitae). ClinVar contains an entry for this variant (Variation ID: 521458). Experimental studies and prediction algorithms are not available for this variant, and the functional significance of the affected amino acids is currently unknown. In summary, the available evidence is currently insufficient to determine the role of this variant in disease. Therefore, it has been classified as a Variant of Uncertain Significance.

Ambry Genetics
Classification: Uncertain significance for Inborn genetic diseases. Last evaluated: 2017-04-06. Review status: criteria provided, single submitter. Criteria: Ambry exome assertion method (8-5-2015). Collection method: clinical testing. Allele origin: germline. Affected: yes. Observed: 1 variant allele.

NM_001032382.2(PQBP1):c.743del (p.Pro248fs)

Gene: PQBP1 (polyglutamine binding protein 1; plus strand). Cytogenetic location: Xp11.23.
Variant type: Deletion.
Coding change: c.743del on transcript NM_001032382.2 (MANE Select); coding-DNA position 743, one base deleted (C; older notation c.743delC).
Protein change: p.Pro248fs; shifts the reading frame from proline 248.
Molecular consequence: frameshift variant.
Genome position (GRCh38, 1-based): chrX:48,903,029, C deleted; the last of 4 consecutive C bases (chrX:48,903,026-48,903,029); deleting any one gives the same sequence. VCF-style (leftmost placement, unchanged base first): chrX-48903025-TC-T. GRCh37 (hg19) VCF-style: chrX-48760302-TC-T.
Other names: c.743delC (NM_005710.2, NM_001032383.1); c.743del, p.Pro248fs (NM_001032381.2, NM_001032383.2, NM_001032384.1 and 1 more transcripts); c.740del, p.Pro247fs (NM_001167989.2); c.719del, p.Pro240fs (NM_001167990.2); c.443del, p.Pro148fs (NM_001167992.1); c.458del, p.Pro153fs (NM_144495.3); short protein forms P153fs, P148fs, P240fs, P247fs, P248fs.
Identifiers: ClinVar variation 521458 (VCV000521458.12), dbSNP rs1557041891, ClinGen allele CA658799740.
Genomic context (GRCh38, chrX:48,903,025, plus strand): 5'-GCCAAGACTGGCGCTGACACCACAGCAGCTGGGCCCCTCTTCCAGCAGCGGCCGTATCCA[TC>T]CCCAGGGGCTGTGCTCCGGGCCAATGCAGAGGCCTCCCGAACCAAGCAGCAGGATTGAAG-3'